The following is an entry in ClinVar:

NM_025114.4(CEP290):c.441+1G>C

Gene: CEP290 (centrosomal protein 290; minus strand). Cytogenetic location: 12q21.32.
Variant type: single nucleotide variant.
Coding change: c.441+1G>C on transcript NM_025114.4 (MANE Select); the canonical splice donor site of the intron after coding-DNA position 441, G replaced by C.
Molecular consequence: splice donor variant.
Genome position (GRCh38, 1-based): chr12:88,136,642, C>G on the plus strand (G>C on the coding strand, the complement: CEP290 is on the minus strand). VCF-style: chr12-88136642-C-G. GRCh37 (hg19) VCF-style: chr12-88530419-C-G.
Identifiers: ClinVar variation 2001573 (VCV002001573.5), dbSNP rs1184012636, ClinGen allele CA385987066.

ClinVar aggregate classification (germline): Likely pathogenic. Review status: criteria provided, multiple submitters, no conflicts (2 of 4 stars). 2 submissions from 2 submitters: Likely pathogenic (2). Last evaluated 2023-10-22.

Conditions:
Joubert syndrome. Also called: CEREBELLOPARENCHYMAL DISORDER IV; JOUBERT-BOLTSHAUSER SYNDROME; Familial aplasia of the vermis. Identifiers: Orphanet 475, MedGen C5979921, MONDO:0018772.
Meckel-Gruber syndrome. Also called: DYSENCEPHALIA SPLANCHNOCYSTICA; GRUBER SYNDROME; Dysencephalia splachnocystica. Identifiers: Orphanet 564, MedGen C0265215, MONDO:0018921.
Nephronophthisis. Also called: Juvenile Nephronophthisis. Identifiers: Orphanet 655, MedGen C0687120, MONDO:0019005, HP:0000090.
Bardet-Biedl syndrome 14 (BBS14). Identifiers: Orphanet 110, MedGen C2673874, MONDO:0014442, OMIM 615991.

gnomAD v4.1: 3 of 1,613,376 alleles (0.00019%); highest among the groups gnomAD compares: Admixed American, 0.0017%; no homozygotes.

Submissions (2):

Baylor Genetics
Classification: Likely pathogenic for Bardet-Biedl syndrome 14. Last evaluated: 2023-10-22. Review status: criteria provided, single submitter. Criteria: ACMG Guidelines, 2015. Collection method: clinical testing. Allele origin: unknown.

Labcorp Genetics (formerly Invitae), Labcorp
Classification: Likely pathogenic for Joubert syndrome; Meckel-Gruber syndrome; Nephronophthisis. Last evaluated: 2022-09-04. Review status: criteria provided, single submitter. Criteria: Invitae Variant Classification Sherloc (09022015). Collection method: clinical testing. Allele origin: germline.
Comment: This sequence change affects a donor splice site in intron 6 of the CEP290 gene. It is expected to disrupt RNA splicing. Variants that disrupt the donor or acceptor splice site typically lead to a loss of protein function (PMID: 16199547), and loss-of-function variants in CEP290 are known to be pathogenic (PMID: 16909394, 17345604, 20690115). In summary, the currently available evidence indicates that the variant is pathogenic, but additional data are needed to prove that conclusively. Therefore, this variant has been classified as Likely Pathogenic. Algorithms developed to predict the effect of sequence changes on RNA splicing suggest that this variant may disrupt the consensus splice site. This variant has not been reported in the literature in individuals affected with CEP290-related conditions. This variant is present in population databases (no rsID available, gnomAD 0.003%).

Literature cited by the submitters: PubMed 16199547 (cited by Labcorp Genetics (formerly Invitae), Labcorp); PubMed 16909394 (cited by Labcorp Genetics (formerly Invitae), Labcorp); PubMed 17345604 (cited by Labcorp Genetics (formerly Invitae), Labcorp); PubMed 20690115 (cited by Labcorp Genetics (formerly Invitae), Labcorp).